The following is an entry in ClinVar:

NM_006766.5(KAT6A):c.2830G>A (p.Val944Ile)

Gene: KAT6A (lysine acetyltransferase 6A; minus strand). Cytogenetic location: 8p11.21.
Variant type: single nucleotide variant.
Coding change: c.2830G>A on transcript NM_006766.5 (MANE Select); coding-DNA position 2830, G replaced by A.
Protein change: p.Val944Ile; replaces valine 944 with isoleucine.
Molecular consequence: missense variant.
Genome position (GRCh38, 1-based): chr8:41,941,051, C>T on the plus strand (G>A on the coding strand, the complement: KAT6A is on the minus strand). VCF-style: chr8-41941051-C-T. GRCh37 (hg19) VCF-style: chr8-41798569-C-T.
Other names: short protein forms V944I.
Identifiers: ClinVar variation 2692528 (VCV002692528.1), dbSNP rs2486771101, ClinGen allele CA371071567.

ClinVar aggregate classification (germline): Uncertain significance (1 of 4 stars; one submission).

Submission:

Greenwood Genetic Center Diagnostic Laboratories, Greenwood Genetic Center
Classification: Uncertain significance. Last evaluated: 2023-12-22. Review status: criteria provided, single submitter. Criteria: ACMG Guidelines, 2015. Collection method: clinical testing. Allele origin: germline. Affected: yes.
Comment: PM2